The following is an entry in ClinVar:

ClinVar aggregate classification (germline): Uncertain significance. Review status: criteria provided, multiple submitters, no conflicts (2 of 4 stars). 2 submissions from 2 submitters: Uncertain significance (2). Last evaluated 2023-04-14.

Submissions (2):

Blueprint Genetics
Classification: Uncertain significance. Last evaluated: 2023-04-14. Review status: criteria provided, single submitter. Criteria: ACMG Guidelines, 2015. Collection method: clinical testing. Allele origin: germline.

Labcorp Genetics (formerly Invitae), Labcorp
Classification: Uncertain significance. Last evaluated: 2022-06-20. Review status: criteria provided, single submitter. Criteria: Invitae Variant Classification Sherloc (09022015). Collection method: clinical testing. Allele origin: germline.
Comment: This sequence change creates a premature translational stop signal (p.Thr525Tyrfs*4) in the FLVCR1 gene. While this is not anticipated to result in nonsense mediated decay, it is expected to disrupt the last 31 amino acid(s) of the FLVCR1 protein. This variant is not present in population databases (gnomAD no frequency). This variant has not been reported in the literature in individuals affected with FLVCR1-related conditions. ClinVar contains an entry for this variant (Variation ID: 936155). Algorithms developed to predict the effect of sequence changes on RNA splicing suggest that this variant may disrupt the consensus splice site. In summary, the available evidence is currently insufficient to determine the role of this variant in disease. Therefore, it has been classified as a Variant of Uncertain Significance.

NM_014053.4(FLVCR1):c.1572dup (p.Thr525fs)

Gene: FLVCR1 (FLVCR choline and heme transporter 1; plus strand). Cytogenetic location: 1q32.3.
Variant type: Duplication.
Coding change: c.1572dup on transcript NM_014053.4 (MANE Select); coding-DNA position 1572, one base duplicated (T; older notation c.1572dupT).
Protein change: p.Thr525fs; shifts the reading frame from threonine 525.
Molecular consequence: frameshift variant.
Genome position (GRCh38, 1-based): chr1:212,895,032, T duplicated; the last of 2 consecutive T bases (chr1:212,895,031-212,895,032); duplicating either gives the same sequence. VCF-style (leftmost placement, unchanged base first): chr1-212895030-A-AT. GRCh37 (hg19) VCF-style: chr1-213068372-A-AT.
Other names: short protein forms T525fs.
Identifiers: ClinVar variation 936155 (VCV000936155.6), dbSNP rs1426169425, ClinGen allele CA731125719.